The following is an entry in ClinVar:

ClinVar aggregate classification (germline): Uncertain significance. Review status: criteria provided, multiple submitters, no conflicts (2 of 4 stars). 3 submissions from 3 submitters: Uncertain significance (2). 1 of the submissions does not count toward it. Last evaluated 2025-12-10.

Conditions:
Coronary artery disease, autosomal dominant 2 (ADCAD2). Identifiers: MedGen C1970440, MONDO:0012586, OMIM 610947.

Allele frequency attached by ClinVar (database versions not stated): ESP Exome Variant Server 0.00015; gnomAD exomes 0.00025 and 0.00012; ExAC 0.00013; gnomAD 0.00013; TOPMed 0.00014.
gnomAD v4.1: 391 of 1,613,806 alleles (0.024%); highest among the groups gnomAD compares: Non-Finnish European, 0.03%; no homozygotes.

Submissions (3):

Labcorp Genetics (formerly Invitae), Labcorp
Classification: Uncertain significance. Last evaluated: 2025-12-10. Review status: criteria provided, single submitter. Criteria: Invitae Variant Classification Sherloc (09022015). Collection method: clinical testing. Allele origin: germline.
Comment: This sequence change replaces arginine, which is basic and polar, with histidine, which is basic and polar, at codon 360 of the LRP6 protein (p.Arg360His). This variant is present in population databases (rs141212743, gnomAD 0.02%). This missense change has been observed in individual(s) with coronary artery disease (PMID: 23703864). ClinVar contains an entry for this variant (Variation ID: 66056). Invitae Evidence Modeling of protein sequence and biophysical properties (such as structural, functional, and spatial information, amino acid conservation, physicochemical variation, residue mobility, and thermodynamic stability) indicates that this missense variant is not expected to disrupt LRP6 protein function with a negative predictive value of 80%. In summary, the available evidence is currently insufficient to determine the role of this variant in disease. Therefore, it has been classified as a Variant of Uncertain Significance.

GeneDx
Classification: Uncertain significance. Last evaluated: 2021-03-29. Review status: criteria provided, single submitter. Criteria: GeneDx Variant Classification Process June 2021. Collection method: clinical testing. Allele origin: germline. Affected: yes.
Comment: In silico analysis supports that this missense variant has a deleterious effect on protein structure/function; Identified in a patient with coronary artery disease in published literature (Singh et al., 2013); This variant is associated with the following publications: (PMID: 23703864, 31589614)

OMIM
Classification: Pathogenic for CORONARY ARTERY DISEASE, AUTOSOMAL DOMINANT 2. Last evaluated: 2013-09-01. Review status: no assertion criteria provided. Collection method: literature only. Allele origin: germline. Not counted in ClinVar's aggregate classification.

Literature cited by the submitters: PubMed 23703864 (cited by Labcorp Genetics (formerly Invitae), Labcorp and OMIM).

NM_002336.3(LRP6):c.1079G>A (p.Arg360His)

Gene: LRP6 (LDL receptor related protein 6; minus strand). Cytogenetic location: 12p13.2.
Variant type: single nucleotide variant.
Coding change: c.1079G>A on transcript NM_002336.3 (MANE Select); coding-DNA position 1079, G replaced by A.
Protein change: p.Arg360His; replaces arginine 360 with histidine.
Molecular consequence: missense variant.
Genome position (GRCh38, 1-based): chr12:12,181,337, C>T on the plus strand (G>A on the coding strand, the complement: LRP6 is on the minus strand). VCF-style: chr12-12181337-C-T. GRCh37 (hg19) VCF-style: chr12-12334271-C-T.
Other names: short protein forms R360H.
Identifiers: ClinVar variation 66056 (VCV000066056.11), dbSNP rs141212743, ClinGen allele CA144854.
Genomic context (GRCh38, chr12:12,181,337, plus strand): 5'-TCATCATCAGTCCAGTAGATGTAGCCTTCCACAGGATCGTAATCTATGGCAATGGCATGA[C>T]GGATGTCTTCTAACTGCAGAACAATGTCTGTAAAATCTGGTGTATCCAAAGAAATGCGTC-3'
Protein context (NP_002327.2, residues 350-370): TDIVLQLEDI[Arg360His]HAIAIDYDPV